The following is an entry in ClinVar:

NM_152383.5(DIS3L2):c.729T>C (p.His243=)

Gene: DIS3L2 (DIS3 like 3'-5' exoribonuclease 2; plus strand). Cytogenetic location: 2q37.1.
Variant type: single nucleotide variant.
Coding change: c.729T>C on transcript NM_152383.5 (MANE Select); coding-DNA position 729, T replaced by C.
Protein change: p.His243=; no amino-acid change (histidine 243 retained).
Molecular consequence: synonymous variant. On other transcripts: non-coding transcript variant (1).
Genome position (GRCh38, 1-based): chr2:232,136,498, T>C. VCF-style: chr2-232136498-T-C. GRCh37 (hg19) VCF-style: chr2-233001208-T-C.
Other names: c.729T>C, p.His243= (NM_001257281.2).
Identifiers: ClinVar variation 1093686 (VCV001093686.34), dbSNP rs371095624, ClinGen allele CA2163934.

ClinVar aggregate classification (germline): Likely benign. Review status: criteria provided, multiple submitters, no conflicts (2 of 4 stars). 2 submissions from 2 submitters: Likely benign (2). Last evaluated 2023-10-06.

Conditions:
Perlman syndrome (PRLMNS). Identifiers: Orphanet 2849, MedGen C0796113, MONDO:0009965, OMIM 267000.

Allele frequency attached by ClinVar (database versions not stated): ExAC 0.00001; gnomAD 0.00004; TOPMed 0.00006; ESP Exome Variant Server 0.00008; 1000 Genomes Project 30x 0.00016.
gnomAD v4.1: 13 of 1,614,008 alleles (0.00081%); highest among the groups gnomAD compares: African/African-American, 0.017%; no homozygotes.

Submissions (2):

Labcorp Genetics (formerly Invitae), Labcorp
Classification: Likely benign for Perlman syndrome. Last evaluated: 2023-10-06. Review status: criteria provided, single submitter. Criteria: Invitae Variant Classification Sherloc (09022015). Collection method: clinical testing. Allele origin: germline.

CeGaT Center for Human Genetics Tuebingen
Classification: Likely benign. Last evaluated: 2023-05-01. Review status: criteria provided, single submitter. Criteria: CeGaT Center For Human Genetics Tuebingen Variant Classification Criteria Version 2. Collection method: clinical testing. Allele origin: germline. Affected: yes. Observed: 1 variant allele.
Comment: DIS3L2: BP4, BP7